The following is an entry in ClinVar:

ClinVar aggregate classification (germline): Uncertain significance. Review status: criteria provided, multiple submitters, no conflicts (2 of 4 stars). 18 submissions from 18 submitters: Uncertain significance (17). 1 of the submissions does not count toward it. Last evaluated 2026-03-03.

Conditions:
Colorectal cancer. Also called: Colorectal cancer, somatic; Malignant Colorectal Neoplasm. Identifiers: MedGen C0346629, MONDO:0005575, OMIM 114500.
Familial colorectal cancer. Identifiers: MedGen CN280943, MONDO:0023113. Disease mechanism: loss of function.
Facial dysmorphism-immunodeficiency-livedo-short stature syndrome. Also called: FILS syndrome; Facial dysmorphism, immunodeficiency, livedo, and short stature. Identifiers: Orphanet 352712, MedGen C3554576, MONDO:0014058, OMIM 615139.
Colorectal cancer, susceptibility to, 12 (CRCS12). Also called: COLORECTAL CANCER, SUSCEPTIBILITY TO, ON CHROMOSOME 12q24. Identifiers: Orphanet 220460, MedGen C3554460, MONDO:0014038, OMIM 615083.
Familial colorectal cancer type X. Identifiers: Orphanet 440437, MedGen C3896578, MONDO:0018604.
POLE-related disorder. Also called: POLE-related condition; POLE-related disorders.
POLD1-related polyposis and colorectal cancer syndrome (CRCS10). Also called: Colorectal cancer 10; COLORECTAL CANCER, SUSCEPTIBILITY TO, ON CHROMOSOME 19q; Colorectal cancer, susceptibility to, 10. Identifiers: Orphanet 220460, MedGen C2675481, MONDO:0012953, OMIM 612591.
Hereditary cancer-predisposing syndrome. Also called: Tumor predisposition; Hereditary Cancer Syndrome; Neoplastic Syndromes, Hereditary; Hereditary neoplastic syndrome. Identifiers: Orphanet 140162, MedGen C0027672, MeSH D009386, MONDO:0015356.

Allele frequency attached by ClinVar (database versions not stated): gnomAD 0.00005 and 0.00007; gnomAD exomes 0.00006 and 0.00015; ExAC 0.00008; TOPMed 0.00008; ESP Exome Variant Server 0.00023; 1000 Genomes Project 30x 0.00031; 1000 Genomes Project 0.00040.

Submissions 1 to 10 of 18:

PreventionGenetics, part of Exact Sciences
Classification: Uncertain significance for POLE-related condition. Last evaluated: 2026-03-03. Review status: criteria provided, single submitter. Criteria: ACMG Guidelines, 2015. Collection method: clinical testing. Allele origin: germline.
Comment: The POLE c.844C>T variant is predicted to result in the amino acid substitution p.Pro282Ser. This variant has been reported individuals with a personal or family history of cutaneous melanoma (Aoude et al. 2015. PubMed ID: 26251183), colorectal cancer (Hansen et al. 2017. PubMed ID: 28195393), breast cancer (Table S1 - Shirts et al. 2016. PubMed ID: 26845104), and endometrial cancer (Imboden et al. 2019. PubMed ID: 30917185). This variant is reported in 0.013% of alleles in individuals of European (Non-Finnish) descent in gnomAD and has conflicting interpretations of likely benign and uncertain in ClinVar (Variation ID: 224588). At this time, the clinical significance of this variant is uncertain due to the absence of conclusive functional and genetic evidence.

St. Jude Molecular Pathology, St. Jude Children's Research Hospital
Classification: Uncertain significance for Colorectal cancer, susceptibility to, 12. Last evaluated: 2026-02-20. Review status: criteria provided, single submitter. Criteria: St. Jude Assertion Criteria 2020. Collection method: clinical testing. Allele origin: germline.
Comment: The POLE c.844C>T p.(Pro282Ser) missense change has a maximum subpopulation frequency of 0.013% in gnomAD v2.1.1. The in silico tool REVEL predicts a deleterious effect on protein function, but to our knowledge this prediction has not been confirmed by functional studies. This variant has been reported in the literature in individuals with colorectal cancer (PMID: 28195393, 29120461). In summary, the evidence currently available is insufficient t o determine the clinical significance of this variant. It has therefore been classified as of uncertain significance.

Labcorp Genetics (formerly Invitae), Labcorp
Classification: Uncertain significance. Last evaluated: 2026-01-21. Review status: criteria provided, single submitter. Criteria: Invitae Variant Classification Sherloc (09022015). Collection method: clinical testing. Allele origin: germline.
Comment: This sequence change replaces proline, which is neutral and non-polar, with serine, which is neutral and polar, at codon 282 of the POLE protein (p.Pro282Ser). This variant is present in population databases (rs138207610, gnomAD 0.01%). This missense change has been observed in individual(s) with cutaneous malignant melanoma and Merkel cell carcinoma, and familial colorectal cancer (PMID: 26251183, 28195393, 29120461). ClinVar contains an entry for this variant (Variation ID: 224588). Invitae Evidence Modeling of protein sequence and biophysical properties (such as structural, functional, and spatial information, amino acid conservation, physicochemical variation, residue mobility, and thermodynamic stability) indicates that this missense variant is expected to disrupt POLE protein function with a positive predictive value of 80%. In summary, the available evidence is currently insufficient to determine the role of this variant in disease. Therefore, it has been classified as a Variant of Uncertain Significance.

Ambry Genetics
Classification: Uncertain significance for Hereditary cancer-predisposing syndrome. Last evaluated: 2025-04-23. Review status: criteria provided, single submitter. Criteria: Ambry Variant Classification Scheme 2023. Collection method: clinical testing. Allele origin: germline.
Comment: The p.P282S variant (also known as c.844C>T), located in coding exon 9 of the POLE gene, results from a C to T substitution at nucleotide position 844. The proline at codon 282 is replaced by serine, an amino acid with similar properties. This alteration has been reported in an individual with familial colorectal cancer who previously tested negative for Lynch syndrome mutations (Hansen MF et al. Clin Genet, 2017 Oct;92:405-414). This alteration was detected in the 669 population-based probands with colorectal cancer from the Australasian Colorectal Cancer Family Registry (Buchanan DD et al. Genet Med, 2018 08;20:890-895). It was also observed in an individual diagnosed with breast cancer (Shirts BH et al. Genet Med, 2016 10;18:974-81). In one study, this variant was detected in 0/165 colorectal cancer and/or polyposis patients and was identified in 3/2512 control individuals from a healthy population database (Rosenthal EA et al. Hum Genet, 2018 Oct;137:795-806). This alteration was also identified in 3/1358 non-cancer control individuals and in 0/57 cases, in a study looking at cancer predisposition mutations in patients with cutaneous melanoma and a history of at least two additional non-cutaneous melanoma primary cancers (Pritchard AL et al. PLoS One, 2018 Apr;13:e0194098). This amino acid position is highly conserved in available vertebrate species. In addition, this alteration is predicted to be deleterious by in silico analysis. Since supporting evidence is limited at this time, the clinical significance of this alteration remains unclear.

Women's Health and Genetics/Laboratory Corporation of America, LabCorp
Classification: Uncertain significance. Last evaluated: 2025-04-03. Review status: criteria provided, single submitter. Criteria: LabCorp Variant Classification Summary - May 2015. Collection method: clinical testing. Allele origin: germline.
Comment: Variant summary: POLE c.844C>T (p.Pro282Ser) results in a non-conservative amino acid change in the encoded protein sequence. Four of five in-silico tools predict a damaging effect of the variant on protein function. The variant allele was found at a frequency of 6e-05 in 251442 control chromosomes, predominantly at a frequency of 0.00013 within the Non-Finnish European subpopulation in the gnomAD database. This frequency is not significantly higher than estimated for a pathogenic variant in POLE causing Facial Dysmorphism, Immunodeficiency, Livedo, And Short Stature (6e-05 vs 0.0011), allowing no conclusion about variant significance. c.844C>T has been reported in the literature in individuals affected with colorectal cancer, breast cancer, and cutaneous melanoma (example, Hansen_2017, Shirts_2015, Aoude_2015). These report(s) do not provide unequivocal conclusions about association of the variant with POLE-related conditions. To our knowledge, no experimental evidence demonstrating an impact on protein function has been reported. The following publications have been ascertained in the context of this evaluation (PMID: 26251183, 29120461, 28195393, 30917185, 26845104, 39575998, 31829442, 35811174, 31422818, 33948826, 35360975, 25791106, 32938641, 35817971, 37848928, 34326862). ClinVar contains an entry for this variant (Variation ID: 224588). Based on the evidence outlined above, the variant was classified as uncertain significance.

Blueprint Genetics
Classification: Uncertain significance. Last evaluated: 2024-11-12. Review status: criteria provided, single submitter. Criteria: ACMG Guidelines, 2015. Collection method: clinical testing. Allele origin: germline.

GeneDx
Classification: Uncertain significance. Last evaluated: 2024-11-05. Review status: criteria provided, single submitter. Criteria: GeneDx Variant Classification Process June 2021. Collection method: clinical testing. Allele origin: germline. Affected: yes.
Comment: In silico analysis supports that this missense variant has a deleterious effect on protein structure/function; Observed in individuals with personal and/or family history of melanoma, breast cancer, or colorectal cancer (PMID: 26251183, 26845104, 29120461, 28195393, 34326862); This variant is associated with the following publications: (PMID: 30267214, 26251183, 26845104, 28195393, 30917185, 29120461, 29641532, 20951805, 34326862)

Molecular Pathology, Peter Maccallum Cancer Centre
Classification: Uncertain significance for POLD1-related polyposis and colorectal cancer syndrome. Last evaluated: 2024-10-30. Review status: criteria provided, single submitter. Criteria: ACMG Guidelines, 2015. Collection method: clinical testing. Allele origin: germline. Inheritance: Autosomal dominant inheritance.

Baylor Genetics
Classification: Uncertain significance for Colorectal cancer, susceptibility to, 12. Last evaluated: 2024-03-24. Review status: criteria provided, single submitter. Criteria: ACMG Guidelines, 2015. Collection method: clinical testing. Allele origin: unknown.

Myriad Genetics, Inc.
Classification: Uncertain significance for Colorectal cancer, susceptibility to, 12. Last evaluated: 2023-04-19. Review status: criteria provided, single submitter. Criteria: Myriad Autosomal Dominant, Autosomal Recessive and X-Linked Classification Criteria (2023). Collection method: clinical testing. Allele origin: unknown.
Comment: This variant is classified as a variant of uncertain significance as there is insufficient evidence to determine its impact on protein function and/or cancer risk.

NM_006231.4(POLE):c.844C>T (p.Pro282Ser)

Gene: POLE (DNA polymerase epsilon, catalytic subunit; minus strand). Cytogenetic location: 12q24.33.
Variant type: single nucleotide variant.
Coding change: c.844C>T on transcript NM_006231.4 (MANE Select); coding-DNA position 844, C replaced by T.
Protein change: p.Pro282Ser; replaces proline 282 with serine.
Molecular consequence: missense variant.
Genome position (GRCh38, 1-based): chr12:132,676,611, G>A on the plus strand (C>T on the coding strand, the complement: POLE is on the minus strand). VCF-style: chr12-132676611-G-A. GRCh37 (hg19) VCF-style: chr12-133253197-G-A.
Other names: short protein forms P282S.
Identifiers: ClinVar variation 224588 (VCV000224588.54), dbSNP rs138207610, ClinGen allele CA351209.